The following is an entry in ClinVar:

NM_000488.4(SERPINC1):c.580A>C (p.Ser194Arg)

Gene: SERPINC1 (serpin family C member 1; minus strand). Cytogenetic location: 1q25.1.
Variant type: single nucleotide variant.
Coding change: c.580A>C on transcript NM_000488.4 (MANE Select); coding-DNA position 580, A replaced by C.
Protein change: p.Ser194Arg; replaces serine 194 with arginine.
Molecular consequence: missense variant. On other transcripts: intron variant (1).
Genome position (GRCh38, 1-based): chr1:173,911,843, T>G on the plus strand (A>C on the coding strand, the complement: SERPINC1 is on the minus strand). VCF-style: chr1-173911843-T-G. GRCh37 (hg19) VCF-style: chr1-173880981-T-G.
Other names: c.661A>C, p.Ser221Arg (NM_001386303.1); c.580A>C, p.Ser194Arg (NM_001386304.1, NM_001386305.1, NM_001386302.1); c.409-952A>C (NM_001386306.1); c.436A>C, p.Ser146Arg (NM_001365052.2); short protein forms S194R, S221R, S146R.
Identifiers: ClinVar variation 2734042 (VCV002734042.3), dbSNP rs2526581512, ClinGen allele CA343776281.

ClinVar aggregate classification (germline): Likely pathogenic (1 of 4 stars; one submission).

Conditions:
Hereditary antithrombin deficiency (AT3D). Also called: Reduced antithrombin III activity; Antithrombin deficiency; Antithrombin III deficiency; Thrombophilia due to antithrombin III deficiency. Identifiers: Orphanet 82, MedGen C0272375, MONDO:0013144, OMIM 613118, HP:0001976.

Submission:

Labcorp Genetics (formerly Invitae), Labcorp
Classification: Likely pathogenic for Hereditary antithrombin deficiency. Last evaluated: 2023-07-16. Review status: criteria provided, single submitter. Criteria: Invitae Variant Classification Sherloc (09022015). Collection method: clinical testing. Allele origin: germline.
Comment: In summary, the currently available evidence indicates that the variant is pathogenic, but additional data are needed to prove that conclusively. Therefore, this variant has been classified as Likely Pathogenic. Advanced modeling of protein sequence and biophysical properties (such as structural, functional, and spatial information, amino acid conservation, physicochemical variation, residue mobility, and thermodynamic stability) performed at Invitae indicates that this missense variant is expected to disrupt SERPINC1 protein function. This missense change has been observed in individual(s) with antithrombin deficiency (PMID: 21264449, 22627591; Invitae). This variant is not present in population databases (gnomAD no frequency). This sequence change replaces serine, which is neutral and polar, with arginine, which is basic and polar, at codon 194 of the SERPINC1 protein (p.Ser194Arg).

Literature cited by the submitters: PubMed 21264449; PubMed 22627591.